The following is an entry in ClinVar:

NM_013432.5(TONSL):c.809G>A (p.Arg270Lys)

Gene: TONSL (tonsoku like, DNA repair protein; minus strand). Cytogenetic location: 8q24.3.
Variant type: single nucleotide variant.
Coding change: c.809G>A on transcript NM_013432.5 (MANE Select); coding-DNA position 809, G replaced by A.
Protein change: p.Arg270Lys; replaces arginine 270 with lysine.
Molecular consequence: missense variant.
Genome position (GRCh38, 1-based): chr8:144,442,093, C>T on the plus strand (G>A on the coding strand, the complement: TONSL is on the minus strand). VCF-style: chr8-144442093-C-T. GRCh37 (hg19) VCF-style: chr8-145667476-C-T.
Other names: short protein forms R270K.
Identifiers: ClinVar variation 1521358 (VCV001521358.5), dbSNP rs143692519, ClinGen allele CA4943491.

ClinVar aggregate classification (germline): Uncertain significance (1 of 4 stars; one submission).

Allele frequency attached by ClinVar (database versions not stated): gnomAD exomes below 0.00001 and 0.00002; ExAC 0.00003; TOPMed 0.00006; gnomAD 0.00007; 1000 Genomes Project 30x 0.00016; 1000 Genomes Project 0.00020; ESP Exome Variant Server 0.00023.

Submission:

Labcorp Genetics (formerly Invitae), Labcorp
Classification: Uncertain significance. Last evaluated: 2021-08-30. Review status: criteria provided, single submitter. Criteria: Invitae Variant Classification Sherloc (09022015). Collection method: clinical testing. Allele origin: germline.
Comment: This sequence change replaces arginine with lysine at codon 270 of the TONSL protein (p.Arg270Lys). The arginine residue is highly conserved and there is a small physicochemical difference between arginine and lysine. This variant is present in population databases (rs143692519, ExAC 0.03%). This variant has not been reported in the literature in individuals affected with TONSL-related conditions. Algorithms developed to predict the effect of missense changes on protein structure and function output the following: SIFT: "Tolerated"; PolyPhen-2: "Benign"; Align-GVGD: "Class C0". The lysine amino acid residue is found in multiple mammalian species, which suggests that this missense change does not adversely affect protein function. In summary, the available evidence is currently insufficient to determine the role of this variant in disease. Therefore, it has been classified as a Variant of Uncertain Significance.